The following is an entry in ClinVar:

ClinVar aggregate classification (germline): Uncertain significance (1 of 4 stars; one submission).

Conditions:
LAMA2-related muscular dystrophy (LAMA2-RD). Also called: Laminin alpha 2-related dystrophy. Identifiers: MedGen C5679788, MONDO:0100228.

Allele frequency attached by ClinVar (database versions not stated): gnomAD exomes 0.00001; ExAC 0.00002.
gnomAD v4.1: 3 of 1,614,054 alleles (0.00019%); highest among the groups gnomAD compares: Admixed American, 0.005%; no homozygotes.

Submission:

Labcorp Genetics (formerly Invitae), Labcorp
Classification: Uncertain significance for LAMA2-related muscular dystrophy. Last evaluated: 2023-10-13. Review status: criteria provided, single submitter. Criteria: Invitae Variant Classification Sherloc (09022015). Collection method: clinical testing. Allele origin: germline.
Comment: This sequence change replaces cysteine, which is neutral and slightly polar, with arginine, which is basic and polar, at codon 1557 of the LAMA2 protein (p.Cys1557Arg). This variant is present in population databases (rs764872873, gnomAD 0.009%). This variant has not been reported in the literature in individuals affected with LAMA2-related conditions. ClinVar contains an entry for this variant (Variation ID: 1986428). Advanced modeling of protein sequence and biophysical properties (such as structural, functional, and spatial information, amino acid conservation, physicochemical variation, residue mobility, and thermodynamic stability) performed at Invitae indicates that this missense variant is expected to disrupt LAMA2 protein function. In summary, the available evidence is currently insufficient to determine the role of this variant in disease. Therefore, it has been classified as a Variant of Uncertain Significance.

NM_000426.4(LAMA2):c.4669T>C (p.Cys1557Arg)

Gene: LAMA2 (laminin subunit alpha 2; plus strand). Cytogenetic location: 6q22.33.
Variant type: single nucleotide variant.
Coding change: c.4669T>C on transcript NM_000426.4 (MANE Select); coding-DNA position 4669, T replaced by C.
Protein change: p.Cys1557Arg; replaces cysteine 1557 with arginine.
Molecular consequence: missense variant.
Genome position (GRCh38, 1-based): chr6:129,353,309, T>C. VCF-style: chr6-129353309-T-C. GRCh37 (hg19) VCF-style: chr6-129674454-T-C.
Other names: c.4669T>C, p.Cys1557Arg (NM_001079823.2); short protein forms C1557R.
Identifiers: ClinVar variation 1986428 (VCV001986428.4), dbSNP rs764872873, ClinGen allele CA3993625.